The following is an entry in ClinVar:

NM_000130.5(F5):c.176C>T (p.Thr59Ile)

Gene: F5 (coagulation factor V; minus strand). Cytogenetic location: 1q24.2.
Variant type: single nucleotide variant.
Coding change: c.176C>T on transcript NM_000130.5 (MANE Select); coding-DNA position 176, C replaced by T.
Protein change: p.Thr59Ile; replaces threonine 59 with isoleucine.
Molecular consequence: missense variant.
Genome position (GRCh38, 1-based): chr1:169,582,505, G>A on the plus strand (C>T on the coding strand, the complement: F5 is on the minus strand). VCF-style: chr1-169582505-G-A. GRCh37 (hg19) VCF-style: chr1-169551743-G-A.
Other names: short protein forms T59I.
Identifiers: ClinVar variation 4537494 (VCV004537494.1).

ClinVar aggregate classification (germline): Uncertain significance (1 of 4 stars; one submission).

Conditions:
Primary familial hypertrophic cardiomyopathy (HCM). Identifiers: Orphanet 99739, MedGen C0949658, MeSH D024741, MONDO:0024573. Inheritance: Various modes of inheritance.

gnomAD v4.1: 4 of 1,542,566 alleles (0.00026%); highest among the groups gnomAD compares: Non-Finnish European, 0.00036%; no homozygotes.

Submission:

Petrovsky National Research Centre of Surgery, The Federal Agency for Scientific Organizations
Classification: Uncertain significance for Primary familial hypertrophic cardiomyopathy. Last evaluated: 2025-12-16. Review status: criteria provided, single submitter. Criteria: ACMG Guidelines, 2015. Collection method: clinical testing. Allele origin: germline. Affected: yes. Observed: 1 variant allele.
Comment: The variant is in The Genome Aggregation Database (gnomAD) v4.1.0 with total 0.000002593. (Date of access 2025-12-16).